The following is an entry in ClinVar:

NM_001277313.2(FMN1):c.443T>C (p.Leu148Pro)

Gene: FMN1 (formin 1; minus strand). Cytogenetic location: 15q13.3.
Variant type: single nucleotide variant.
Coding change: c.443T>C on transcript NM_001277313.2 (MANE Select); coding-DNA position 443, T replaced by C.
Protein change: p.Leu148Pro; replaces leucine 148 with proline.
Molecular consequence: missense variant.
Genome position (GRCh38, 1-based): chr15:33,154,472, A>G on the plus strand (T>C on the coding strand, the complement: FMN1 is on the minus strand). VCF-style: chr15-33154472-A-G. GRCh37 (hg19) VCF-style: chr15-33446673-A-G.
Other names: c.443T>C, p.Leu148Pro (NM_001277314.2); short protein forms L148P.
Identifiers: ClinVar variation 1508425 (VCV001508425.6), dbSNP rs1964587140, ClinGen allele CA391910681.

ClinVar aggregate classification (germline): Uncertain significance (1 of 4 stars; one submission).

Allele frequency attached by ClinVar (database versions not stated): TOPMed below 0.00001; gnomAD 0.00001.
gnomAD v4.1: 1 of 1,535,692 alleles (0.000065%); highest among the groups gnomAD compares: Non-Finnish European, 0.000087%; no homozygotes.

Submission:

Labcorp Genetics (formerly Invitae), Labcorp
Classification: Uncertain significance. Last evaluated: 2022-09-13. Review status: criteria provided, single submitter. Criteria: Invitae Variant Classification Sherloc (09022015). Collection method: clinical testing. Allele origin: germline.
Comment: This variant has not been reported in the literature in individuals affected with FMN1-related conditions. The FMN1 gene has multiple clinically relevant transcripts. This variant occurs in alternate transcript NM_001277314.1, and corresponds to NM_001103184.3:c.-86588T>C in the primary transcript. This sequence change replaces leucine, which is neutral and non-polar, with proline, which is neutral and non-polar, at codon 148 of the FMN1 protein (p.Leu148Pro). This variant is not present in population databases (gnomAD no frequency). Experimental studies and prediction algorithms are not available or were not evaluated, and the functional significance of this variant is currently unknown. In summary, the available evidence is currently insufficient to determine the role of this variant in disease. Therefore, it has been classified as a Variant of Uncertain Significance.